The following is an entry in ClinVar:

ClinVar aggregate classification (germline): Uncertain significance. Review status: criteria provided, multiple submitters, no conflicts (2 of 4 stars). 4 submissions from 4 submitters: Uncertain significance (4). Last evaluated 2026-03-24.

Conditions:
Periodic fever-infantile enterocolitis-autoinflammatory syndrome. Also called: Autoinflammation with infantile enterocolitis. Identifiers: Orphanet 436166, MedGen C4015067, MONDO:0014472, OMIM 616050.
Familial cold autoinflammatory syndrome 4 (FCAS4). Identifiers: Orphanet 47045, Orphanet 576349, MedGen C4015276, MONDO:0014498, OMIM 616115.
Inborn genetic diseases. Identifiers: MedGen C0950123, MeSH D030342.

Allele frequency attached by ClinVar (database versions not stated): TOPMed below 0.00001; ExAC 0.00001; gnomAD 0.00001; gnomAD exomes 0.00002.
gnomAD v4.1: 27 of 1,613,966 alleles (0.0017%); highest among the groups gnomAD compares: Non-Finnish European, 0.002%; no homozygotes.

Submissions (4):

Women's Health and Genetics/Laboratory Corporation of America, LabCorp
Classification: Uncertain significance. Last evaluated: 2026-03-24. Review status: criteria provided, single submitter. Criteria: LabCorp Variant Classification Summary - May 2015. Collection method: clinical testing. Allele origin: germline.
Comment: Variant summary: NLRC4 c.2720C>T (p.Pro907Leu) results in a non-conservative amino acid change in the encoded protein sequence. Algorithms developed to predict the effect of missense changes on protein structure and function are either unavailable or do not agree on the potential impact of this missense change. The variant allele was found at a frequency of 4e-06 in 251358 control chromosomes. The available data on variant occurrences in the general population are insufficient to allow any conclusion about variant significance. To our knowledge, no occurrence of c.2720C>T in individuals affected with NLRC4-related conditions and no experimental evidence demonstrating its impact on protein function have been reported. ClinVar contains an entry for this variant (Variation ID: 2318702). Based on the evidence outlined above, the variant was classified as uncertain significance.

Labcorp Genetics (formerly Invitae), Labcorp
Classification: Uncertain significance for Periodic fever-infantile enterocolitis-autoinflammatory syndrome; Familial cold autoinflammatory syndrome 4. Last evaluated: 2025-04-23. Review status: criteria provided, single submitter. Criteria: Invitae Variant Classification Sherloc (09022015). Collection method: clinical testing. Allele origin: germline.
Comment: This sequence change replaces proline, which is neutral and non-polar, with leucine, which is neutral and non-polar, at codon 907 of the NLRC4 protein (p.Pro907Leu). This variant is present in population databases (rs199861054, gnomAD 0.002%). This variant has not been reported in the literature in individuals affected with NLRC4-related conditions. ClinVar contains an entry for this variant (Variation ID: 2318702). Invitae Evidence Modeling of protein sequence and biophysical properties (such as structural, functional, and spatial information, amino acid conservation, physicochemical variation, residue mobility, and thermodynamic stability) has been performed for this missense variant. However, the output from this modeling did not meet the statistical confidence thresholds required to predict the impact of this variant on NLRC4 protein function. In summary, the available evidence is currently insufficient to determine the role of this variant in disease. Therefore, it has been classified as a Variant of Uncertain Significance.

Ambry Genetics
Classification: Uncertain significance for Inborn genetic diseases. Last evaluated: 2022-10-12. Review status: criteria provided, single submitter. Criteria: Ambry Variant Classification Scheme 2023. Collection method: clinical testing. Allele origin: germline.

Blueprint Genetics
Classification: Uncertain significance. Last evaluated: 2022-05-05. Review status: criteria provided, single submitter. Criteria: ACMG Guidelines, 2015. Collection method: clinical testing. Allele origin: germline.

NM_001199138.2(NLRC4):c.2720C>T (p.Pro907Leu)

Gene: NLRC4 (NLR family CARD domain containing 4; minus strand). Cytogenetic location: 2p22.3.
Variant type: single nucleotide variant.
Coding change: c.2720C>T on transcript NM_001199138.2 (MANE Select); coding-DNA position 2720, C replaced by T.
Protein change: p.Pro907Leu; replaces proline 907 with leucine.
Molecular consequence: missense variant.
Genome position (GRCh38, 1-based): chr2:32,235,463, G>A on the plus strand (C>T on the coding strand, the complement: NLRC4 is on the minus strand). VCF-style: chr2-32235463-G-A. GRCh37 (hg19) VCF-style: chr2-32460532-G-A.
Other names: c.2720C>T, p.Pro907Leu (NM_001199139.2, NM_021209.5); c.725C>T, p.Pro242Leu (NM_001302504.2); short protein forms P242L, P907L.
Identifiers: ClinVar variation 2318702 (VCV002318702.6), dbSNP rs199861054, ClinGen allele CA1601721.